The following is an entry in ClinVar:

NM_001322934.2(NFKB2):c.1736G>A (p.Arg579His)

Gene: NFKB2 (nuclear factor kappa B subunit 2; plus strand). Cytogenetic location: 10q24.32.
Variant type: single nucleotide variant.
Coding change: c.1736G>A on transcript NM_001322934.2 (MANE Select); coding-DNA position 1736, G replaced by A.
Protein change: p.Arg579His; replaces arginine 579 with histidine.
Molecular consequence: missense variant.
Genome position (GRCh38, 1-based): chr10:102,400,429, G>A. VCF-style: chr10-102400429-G-A. GRCh37 (hg19) VCF-style: chr10-104160186-G-A.
Other names: c.1736G>A, p.Arg579His (LRG_1347t1, NM_001077494.3, NM_001261403.3 and 2 more transcripts); c.1610G>A, p.Arg537His (NM_001322935.1); short protein forms R579H, R537H.
Identifiers: ClinVar variation 541630 (VCV000541630.46), dbSNP rs200227171, ClinGen allele CA5664884.

ClinVar aggregate classification (germline): Conflicting classifications of pathogenicity. Review status: criteria provided, conflicting classifications (1 of 4 stars). 6 submissions from 6 submitters: Uncertain significance (1); Benign (1); Likely benign (3). 1 of the submissions does not count toward it. Last evaluated 2026-02-11.

Conditions:
NFKB2-related disorder. Also called: NFKB2-related condition.
Immunodeficiency, common variable, 10. Also called: DEFICIT IN ANTERIOR PITUITARY FUNCTION AND VARIABLE IMMUNODEFICIENCY; IMMUNODEFICIENCY, COMMON VARIABLE, WITH CENTRAL ADRENAL INSUFFICIENCY. Identifiers: MedGen C3809991, MONDO:0014260, OMIM 615577.

Allele frequency attached by ClinVar (database versions not stated): 1000 Genomes Project 0.00040; 1000 Genomes Project 30x 0.00047; TOPMed 0.00055; ESP Exome Variant Server 0.00063; gnomAD 0.00064 and 0.00065; gnomAD exomes 0.00069 and 0.00096; ExAC 0.00102.
gnomAD v4.1: 1,111 of 1,612,766 alleles (0.069%); highest among the groups gnomAD compares: South Asian, 0.12%; 5 homozygotes.

Submissions (6):

Women's Health and Genetics/Laboratory Corporation of America, LabCorp
Classification: Likely benign. Last evaluated: 2026-02-11. Review status: criteria provided, single submitter. Criteria: LabCorp Variant Classification Summary - May 2015. Collection method: clinical testing. Allele origin: germline.
Comment: Variant summary: NFKB2 c.1736G>A (p.Arg579His) results in a non-conservative amino acid change in the encoded protein sequence. Algorithms developed to predict the effect of missense changes on protein structure and function are either unavailable or do not agree on the potential impact of this missense change. The variant allele was found at a frequency of 0.00096 in 247026 control chromosomes, predominantly at a frequency of 0.0013 within the South Asian subpopulation in the gnomAD database, including 1 homozygote. The observed variant frequency within South Asian control individuals in the gnomAD database exceeds the estimated maximal expected allele frequency for disease-causing variants in NFKB2. To our knowledge, no occurrence of c.1736G>A in individuals affected with NFKB2-related conditions and no experimental evidence demonstrating its impact on protein function have been reported. ClinVar contains an entry for this variant (Variation ID: 541630). Based on the evidence outlined above, the variant was classified as likely benign.

Labcorp Genetics (formerly Invitae), Labcorp
Classification: Likely benign for Immunodeficiency, common variable, 10. Last evaluated: 2026-01-18. Review status: criteria provided, single submitter. Criteria: Invitae Variant Classification Sherloc (09022015). Collection method: clinical testing. Allele origin: germline.

Blueprint Genetics
Classification: Likely benign. Last evaluated: 2024-11-27. Review status: criteria provided, single submitter. Criteria: ACMG Guidelines, 2015. Collection method: clinical testing. Allele origin: germline.

CeGaT Center for Human Genetics Tuebingen
Classification: Benign. Last evaluated: 2022-10-01. Review status: criteria provided, single submitter. Criteria: CeGaT Center For Human Genetics Tuebingen Variant Classification Criteria Version 2. Collection method: clinical testing. Allele origin: germline. Affected: yes. Observed: 2 variant alleles.
Comment: NFKB2: BS1, BS2

Center for Genomics, Ann and Robert H. Lurie Children's Hospital of Chicago
Classification: Uncertain significance for Immunodeficiency, common variable, 10. Last evaluated: 2021-03-30. Review status: criteria provided, single submitter. Criteria: ACMG Guidelines, 2015. Collection method: clinical testing. Allele origin: germline.
Comment: NFKB2 NM_001077494.3 exon 16 p.Arg579His (c.1736G>A): This variant has not been reported in the literature but is present in 0.1% (41/30766) of South Asian alleles, including 1 homozygote, in the Genome Aggregation Database. Evolutionary conservation and computational predictive tools suggest that this variant may not impact the protein. In summary, data on this variant is insufficient for disease classification. Therefore, the clinical significance of this variant is uncertain.

PreventionGenetics, part of Exact Sciences
Classification: Likely benign for NFKB2-related condition. Last evaluated: 2022-05-03. Review status: no assertion criteria provided. Collection method: clinical testing. Allele origin: germline. Not counted in ClinVar's aggregate classification.
Comment: This variant is classified as likely benign based on ACMG/AMP sequence variant interpretation guidelines (Richards et al. 2015 PMID: 25741868, with internal and published modifications).